The following is an entry in ClinVar:

ClinVar aggregate classification (germline): Uncertain significance. Review status: criteria provided, multiple submitters, no conflicts (2 of 4 stars). 5 submissions from 5 submitters: Uncertain significance (5). Last evaluated 2025-09-23.

Conditions:
Facioscapulohumeral muscular dystrophy 2 (FSHD2). Also called: MUSCULAR DYSTROPHY, FACIOSCAPULOHUMERAL, TYPE 1B; FACIOSCAPULOHUMERAL MUSCULAR DYSTROPHY 2, DIGENIC; FSHD2, DIGENIC. Identifiers: Orphanet 269, MedGen C1834671, MONDO:0008031, OMIM 158901.
SMCHD1-related disorder. Also called: SMCHD1-related condition.
Inborn genetic diseases. Identifiers: MedGen C0950123, MeSH D030342.

Allele frequency attached by ClinVar (database versions not stated): gnomAD 0.00003; gnomAD exomes 0.00006; TOPMed 0.00006; ExAC 0.00016.
gnomAD v4.1: 14 of 1,446,748 alleles (0.00097%); highest among the groups gnomAD compares: Admixed American, 0.032%; no homozygotes.

Submissions (5):

Labcorp Genetics (formerly Invitae), Labcorp
Classification: Uncertain significance for Facioscapulohumeral muscular dystrophy 2. Last evaluated: 2025-09-23. Review status: criteria provided, single submitter. Criteria: Invitae Variant Classification Sherloc (09022015). Collection method: clinical testing. Allele origin: germline.
Comment: This sequence change replaces serine, which is neutral and polar, with alanine, which is neutral and non-polar, at codon 13 of the SMCHD1 protein (p.Ser13Ala). This variant is present in population databases (rs751463286, gnomAD 0.08%). This variant has not been reported in the literature in individuals affected with SMCHD1-related conditions. ClinVar contains an entry for this variant (Variation ID: 500900). Experimental studies and prediction algorithms are not available or were not evaluated, and the functional significance of this variant is currently unknown. In summary, the available evidence is currently insufficient to determine the role of this variant in disease. Therefore, it has been classified as a Variant of Uncertain Significance.

Ambry Genetics
Classification: Uncertain significance for Inborn genetic diseases. Last evaluated: 2024-03-07. Review status: criteria provided, single submitter. Criteria: Ambry Variant Classification Scheme 2023. Collection method: clinical testing. Allele origin: germline.

PreventionGenetics, part of Exact Sciences
Classification: Uncertain significance for SMCHD1-related condition. Last evaluated: 2023-07-09. Review status: criteria provided, single submitter. Criteria: ACMG Guidelines, 2015. Collection method: clinical testing. Allele origin: germline.
Comment: The SMCHD1 c.37T>G variant is predicted to result in the amino acid substitution p.Ser13Ala. To our knowledge, this variant has not been reported in the literature. This variant is reported in 0.075% of alleles in individuals of Latino descent in gnomAD. At this time, the clinical significance of this variant is uncertain due to the absence of conclusive functional and genetic evidence.

GeneDx
Classification: Uncertain significance. Last evaluated: 2022-10-14. Review status: criteria provided, single submitter. Criteria: GeneDx Variant Classification Process June 2021. Collection method: clinical testing. Allele origin: germline. Affected: yes.
Comment: In silico analysis supports that this missense variant does not alter protein structure/function; Has not been previously published as pathogenic or benign to our knowledge

Eurofins Ntd Llc (ga)
Classification: Uncertain significance. Last evaluated: 2017-03-21. Review status: criteria provided, single submitter. Criteria: EGL Classification Definitions 2015. Collection method: clinical testing. Allele origin: germline. Observed: 1 variant allele, 1 heterozygote.

NM_015295.3(SMCHD1):c.37T>G (p.Ser13Ala)

Gene: SMCHD1 (structural maintenance of chromosomes flexible hinge domain containing 1; plus strand). Cytogenetic location: 18p11.32.
Variant type: single nucleotide variant.
Coding change: c.37T>G on transcript NM_015295.3 (MANE Select); coding-DNA position 37, T replaced by G.
Protein change: p.Ser13Ala; replaces serine 13 with alanine.
Molecular consequence: missense variant.
Genome position (GRCh38, 1-based): chr18:2,656,112, T>G. VCF-style: chr18-2656112-T-G. GRCh37 (hg19) VCF-style: chr18-2656111-T-G.
Other names: short protein forms S13A.
Identifiers: ClinVar variation 500900 (VCV000500900.15), dbSNP rs751463286, ClinGen allele CA8870442.